The following is an entry in ClinVar:

NM_032656.4(DHX37):c.1474G>C (p.Ala492Pro)

Gene: DHX37 (DEAH-box helicase 37; minus strand). Cytogenetic location: 12q24.31.
Variant type: single nucleotide variant.
Coding change: c.1474G>C on transcript NM_032656.4 (MANE Select); coding-DNA position 1474, G replaced by C.
Protein change: p.Ala492Pro; replaces alanine 492 with proline.
Molecular consequence: missense variant.
Genome position (GRCh38, 1-based): chr12:124,967,153, C>G on the plus strand (G>C on the coding strand, the complement: DHX37 is on the minus strand). VCF-style: chr12-124967153-C-G. GRCh37 (hg19) VCF-style: chr12-125451699-C-G.
Other names: short protein forms A492P.
Identifiers: ClinVar variation 1977947 (VCV001977947.5), dbSNP rs1056553342, ClinGen allele CA245269495.

ClinVar aggregate classification (germline): Uncertain significance (1 of 4 stars; one submission).

gnomAD v4.1: 3 of 1,613,812 alleles (0.00019%); highest among the groups gnomAD compares: Non-Finnish European, 0.00017%; no homozygotes.

Submission:

Labcorp Genetics (formerly Invitae), Labcorp
Classification: Uncertain significance. Last evaluated: 2024-01-15. Review status: criteria provided, single submitter. Criteria: Invitae Variant Classification Sherloc (09022015). Collection method: clinical testing. Allele origin: germline.
Comment: This sequence change replaces alanine, which is neutral and non-polar, with proline, which is neutral and non-polar, at codon 492 of the DHX37 protein (p.Ala492Pro). This variant is not present in population databases (gnomAD no frequency). This variant has not been reported in the literature in individuals affected with DHX37-related conditions. ClinVar contains an entry for this variant (Variation ID: 1977947). Advanced modeling of protein sequence and biophysical properties (such as structural, functional, and spatial information, amino acid conservation, physicochemical variation, residue mobility, and thermodynamic stability) performed at Invitae indicates that this missense variant is expected to disrupt DHX37 protein function with a positive predictive value of 80%. In summary, the available evidence is currently insufficient to determine the role of this variant in disease. Therefore, it has been classified as a Variant of Uncertain Significance.